The following is an entry in ClinVar:

ClinVar aggregate classification (germline): Likely benign (0 of 4 stars; one submission).

Conditions:
ETV5-related disorder. Also called: ETV5-related condition.

Submission:

PreventionGenetics, part of Exact Sciences
Classification: Likely benign for ETV5-related condition. Last evaluated: 2019-07-10. Review status: no assertion criteria provided. Collection method: clinical testing. Allele origin: germline.
Comment: This variant is classified as likely benign based on ACMG/AMP sequence variant interpretation guidelines (Richards et al. 2015 PMID: 25741868, with internal and published modifications).

NM_004454.3(ETV5):c.240T>G (p.Leu80=)

Gene: ETV5 (ETS variant transcription factor 5; minus strand). Cytogenetic location: 3q27.2.
Variant type: single nucleotide variant.
Coding change: c.240T>G on transcript NM_004454.3 (MANE Select); coding-DNA position 240, T replaced by G.
Protein change: p.Leu80=; no amino-acid change (leucine 80 retained).
Molecular consequence: synonymous variant.
Genome position (GRCh38, 1-based): chr3:186,081,168, A>C on the plus strand (T>G on the coding strand, the complement: ETV5 is on the minus strand). VCF-style: chr3-186081168-A-C. GRCh37 (hg19) VCF-style: chr3-185798957-A-C.
Identifiers: ClinVar variation 3044927 (VCV003044927.2), dbSNP rs2473932174, ClinGen allele CA355844749.